The following is an entry in ClinVar:

NM_006593.4(TBR1):c.860A>C (p.Tyr287Ser)

Gene: TBR1 (T-box brain transcription factor 1; plus strand). Cytogenetic location: 2q24.2.
Variant type: single nucleotide variant.
Coding change: c.860A>C on transcript NM_006593.4 (MANE Select); coding-DNA position 860, A replaced by C.
Protein change: p.Tyr287Ser; replaces tyrosine 287 with serine.
Molecular consequence: missense variant.
Genome position (GRCh38, 1-based): chr2:161,418,213, A>C. VCF-style: chr2-161418213-A-C. GRCh37 (hg19) VCF-style: chr2-162274724-A-C.
Other names: short protein forms Y287S.
Identifiers: ClinVar variation 1304142 (VCV001304142.2), dbSNP rs2105279248, ClinGen allele CA349212386.

ClinVar aggregate classification (germline): Uncertain significance (1 of 4 stars; one submission).

Submission:

GeneDx
Classification: Uncertain significance. Last evaluated: 2020-01-30. Review status: criteria provided, single submitter. Criteria: GeneDx Variant Classification Process June 2021. Collection method: clinical testing. Allele origin: germline. Affected: yes.
Comment: Not observed in large population cohorts (Lek et al., 2016); In silico analysis, which includes protein predictors and evolutionary conservation, supports a deleterious effect; Has not been previously published as pathogenic or benign to our knowledge